The following is an entry in ClinVar:

NM_001012339.3(DNAJC21):c.1552G>A (p.Ala518Thr)

Gene: DNAJC21 (DnaJ heat shock protein family (Hsp40) member C21; plus strand). Cytogenetic location: 5p13.2.
Variant type: single nucleotide variant.
Coding change: c.1552G>A on transcript NM_001012339.3 (MANE Select); coding-DNA position 1552, G replaced by A.
Protein change: p.Ala518Thr; replaces alanine 518 with threonine.
Molecular consequence: missense variant.
Genome position (GRCh38, 1-based): chr5:34,954,670, G>A. VCF-style: chr5-34954670-G-A. GRCh37 (hg19) VCF-style: chr5-34954775-G-A.
Other names: c.1591G>A, p.Ala531Thr (NM_001348420.2); c.1687G>A, p.Ala563Thr (NM_194283.4); short protein forms A531T, A563T, A518T.
Identifiers: ClinVar variation 2184111 (VCV002184111.1), dbSNP rs766748592, ClinGen allele CA3228889.

ClinVar aggregate classification (germline): Uncertain significance (1 of 4 stars; one submission).

Allele frequency attached by ClinVar (database versions not stated): gnomAD exomes 0.00003; TOPMed 0.00006; gnomAD 0.00007; ExAC 0.00028.
gnomAD v4.1: 55 of 1,610,968 alleles (0.0034%); highest among the groups gnomAD compares: Admixed American, 0.064%; no homozygotes.

Submission:

Labcorp Genetics (formerly Invitae), Labcorp
Classification: Uncertain significance. Last evaluated: 2022-02-09. Review status: criteria provided, single submitter. Criteria: Invitae Variant Classification Sherloc (09022015). Collection method: clinical testing. Allele origin: germline.
Comment: This sequence change replaces alanine, which is neutral and non-polar, with threonine, which is neutral and polar, at codon 518 of the DNAJC21 protein (p.Ala518Thr). This variant is present in population databases (rs766748592, gnomAD 0.1%). This variant has not been reported in the literature in individuals affected with DNAJC21-related conditions. Algorithms developed to predict the effect of missense changes on protein structure and function (SIFT, PolyPhen-2, Align-GVGD) all suggest that this variant is likely to be tolerated. In summary, the available evidence is currently insufficient to determine the role of this variant in disease. Therefore, it has been classified as a Variant of Uncertain Significance.